The following is an entry in ClinVar:

ClinVar aggregate classification (germline): Likely benign. Review status: criteria provided, multiple submitters, no conflicts (2 of 4 stars). 3 submissions from 3 submitters: Likely benign (2). 1 of the submissions does not count toward it. Last evaluated 2026-01-06.

Conditions:
NANS-related disorder. Also called: NANS-related condition.

Allele frequency attached by ClinVar (database versions not stated): 1000 Genomes Project 30x 0.00016; 1000 Genomes Project 0.00020; TOPMed 0.00141; gnomAD exomes 0.00182 and 0.00198; ESP Exome Variant Server 0.00185; ExAC 0.00266.
gnomAD v4.1: 2,908 of 1,612,304 alleles (0.18%); highest among the groups gnomAD compares: Non-Finnish European, 0.2%; 7 homozygotes.

Submissions (3):

Labcorp Genetics (formerly Invitae), Labcorp
Classification: Likely benign. Last evaluated: 2026-01-06. Review status: criteria provided, single submitter. Criteria: Invitae Variant Classification Sherloc (09022015). Collection method: clinical testing. Allele origin: germline.

Blueprint Genetics
Classification: Likely benign. Last evaluated: 2024-10-16. Review status: criteria provided, single submitter. Criteria: ACMG Guidelines, 2015. Collection method: clinical testing. Allele origin: germline.

PreventionGenetics, part of Exact Sciences
Classification: Likely benign for NANS-related condition. Last evaluated: 2020-02-18. Review status: no assertion criteria provided. Collection method: clinical testing. Allele origin: germline. Not counted in ClinVar's aggregate classification.
Comment: This variant is classified as likely benign based on ACMG/AMP sequence variant interpretation guidelines (Richards et al. 2015 PMID: 25741868, with internal and published modifications).

NM_018946.4(NANS):c.53C>T (p.Pro18Leu)

Genes: NANS (N-acetylneuraminate synthase; plus strand), TRIM14 (tripartite motif containing 14; minus strand). Cytogenetic location: 9q22.33.
Variant type: single nucleotide variant.
Coding change: c.53C>T on transcript NM_018946.4 (MANE Select); coding-DNA position 53, C replaced by T.
Protein change: p.Pro18Leu; replaces proline 18 with leucine.
Molecular consequence: missense variant.
Genome position (GRCh38, 1-based): chr9:98,056,861, C>T. VCF-style: chr9-98056861-C-T. GRCh37 (hg19) VCF-style: chr9-100819143-C-T.
Other names: short protein forms P18L.
Identifiers: ClinVar variation 728546 (VCV000728546.13), dbSNP rs139706489, ClinGen allele CA5150157.
Genomic context (GRCh38, chr9:98,056,861, plus strand): 5'-CCGCTGCAATGCCGCTGGAGCTGGAGCTGTGTCCCGGGCGCTGGGTGGGCGGGCAACACC[C>T]GTGCTTCATCATTGCCGAGATCGGCCAGAACCACCAGGGCGACCTGGACGTAGCCAAGCG-3'
Protein context (NP_061819.2, residues 8-28): CPGRWVGGQH[Pro18Leu]CFIIAEIGQN